The following is an entry in ClinVar:

NM_000718.4(CACNA1B):c.6793G>C (p.Asp2265His)

Gene: CACNA1B (calcium voltage-gated channel subunit alpha1 B; plus strand). Cytogenetic location: 9q34.3.
Variant type: single nucleotide variant.
Coding change: c.6793G>C on transcript NM_000718.4 (MANE Select); coding-DNA position 6793, G replaced by C.
Protein change: p.Asp2265His; replaces aspartic acid 2265 with histidine.
Molecular consequence: missense variant.
Genome position (GRCh38, 1-based): chr9:138,121,772, G>C. VCF-style: chr9-138121772-G-C. GRCh37 (hg19) VCF-style: chr9-141016224-G-C.
Other names: c.6793G>C (NM_000718.3); c.6606G>C, p.Trp2202Cys (NM_001243812.2); short protein forms W2202C, D2265H.
Identifiers: ClinVar variation 1916258 (VCV001916258.6), dbSNP rs984728839, ClinGen allele CA201873479.

ClinVar aggregate classification (germline): Uncertain significance. Review status: criteria provided, multiple submitters, no conflicts (2 of 4 stars). 2 submissions from 2 submitters: Uncertain significance (2). Last evaluated 2025-08-21.

Allele frequency attached by ClinVar (database versions not stated): gnomAD 0.00001; gnomAD exomes 0.00001; TOPMed 0.00002.
gnomAD v4.1: 8 of 1,613,162 alleles (0.0005%); highest among the groups gnomAD compares: Non-Finnish European, 0.00068%; no homozygotes.

Submissions (2):

Ambry Genetics
Classification: Uncertain significance. Last evaluated: 2025-08-21. Review status: criteria provided, single submitter. Criteria: Ambry Variant Classification Scheme 2023. Collection method: clinical testing. Allele origin: germline.

Labcorp Genetics (formerly Invitae), Labcorp
Classification: Uncertain significance. Last evaluated: 2022-03-19. Review status: criteria provided, single submitter. Criteria: Invitae Variant Classification Sherloc (09022015). Collection method: clinical testing. Allele origin: germline.
Comment: This variant is present in population databases (no rsID available, gnomAD 0.0009%). This variant has not been reported in the literature in individuals affected with CACNA1B-related conditions. Advanced modeling of protein sequence and biophysical properties (such as structural, functional, and spatial information, amino acid conservation, physicochemical variation, residue mobility, and thermodynamic stability) performed at Invitae indicates that this missense variant is not expected to disrupt CACNA1B protein function. In summary, the available evidence is currently insufficient to determine the role of this variant in disease. Therefore, it has been classified as a Variant of Uncertain Significance. This sequence change replaces aspartic acid, which is acidic and polar, with histidine, which is basic and polar, at codon 2265 of the CACNA1B protein (p.Asp2265His).